The following is an entry in ClinVar:

NM_001163435.3(TBCK):c.1804G>A (p.Ala602Thr)

Gene: TBCK (TBC1 domain containing kinase; minus strand). Cytogenetic location: 4q24.
Variant type: single nucleotide variant.
Coding change: c.1804G>A on transcript NM_001163435.3 (MANE Select); coding-DNA position 1804, G replaced by A.
Protein change: p.Ala602Thr; replaces alanine 602 with threonine.
Molecular consequence: missense variant.
Genome position (GRCh38, 1-based): chr4:106,212,806, C>T on the plus strand (G>A on the coding strand, the complement: TBCK is on the minus strand). VCF-style: chr4-106212806-C-T. GRCh37 (hg19) VCF-style: chr4-107133963-C-T.
Other names: c.1804G>A (NM_001163435.1); c.1804G>A, p.Ala602Thr (NM_001163436.4); c.1687G>A, p.Ala563Thr (NM_001163437.3); c.1288G>A, p.Ala430Thr (NM_001290768.2); c.1615G>A, p.Ala539Thr (NM_033115.5); short protein forms A602T, A430T, A563T, A539T.
Identifiers: ClinVar variation 638385 (VCV000638385.14), dbSNP rs150221832, ClinGen allele CA3034927.
Genomic context (GRCh38, chr4:106,212,806, plus strand): 5'-TTACATCTGGAATGAAACCAATCTCATTGAGATGATTACTCAGCTCTGGATCATGAAATG[C>T]AATCATCTGAGAGAAGACAGTCAGATACTCTGAAATTACAAAGTTTGAGACAATCATCAT-3'
Protein context (NP_001156907.2, residues 592-612): EYLTVFSQMI[Ala602Thr]FHDPELSNHL

ClinVar aggregate classification (germline): Uncertain significance. Review status: criteria provided, multiple submitters, no conflicts (2 of 4 stars). 5 submissions from 5 submitters: Uncertain significance (5). Last evaluated 2025-11-03.

Conditions:
Hypotonia, infantile, with psychomotor retardation and characteristic facies 3 (IHPRF3). Also called: TBCK-Related Neurodevelopmental Disorder. Identifiers: Orphanet 488632, MedGen C5567480, MONDO:0014823, OMIM 616900.
Inborn genetic diseases. Identifiers: MedGen C0950123, MeSH D030342.

Allele frequency attached by ClinVar (database versions not stated): ExAC 0.00007; ESP Exome Variant Server 0.00008; gnomAD exomes 0.00008; TOPMed 0.00011.
gnomAD v4.1: 159 of 1,612,126 alleles (0.0099%); highest among the groups gnomAD compares: Middle Eastern, 0.033%; no homozygotes.

Submissions (5):

Labcorp Genetics (formerly Invitae), Labcorp
Classification: Uncertain significance. Last evaluated: 2025-11-03. Review status: criteria provided, single submitter. Criteria: Invitae Variant Classification Sherloc (09022015). Collection method: clinical testing. Allele origin: germline.
Comment: This sequence change replaces alanine, which is neutral and non-polar, with threonine, which is neutral and polar, at codon 602 of the TBCK protein (p.Ala602Thr). This variant is present in population databases (rs150221832, gnomAD 0.02%). This missense change has been observed in individual(s) with epilepsy (PMID: 36703223). ClinVar contains an entry for this variant (Variation ID: 638385). Invitae Evidence Modeling of protein sequence and biophysical properties (such as structural, functional, and spatial information, amino acid conservation, physicochemical variation, residue mobility, and thermodynamic stability) indicates that this missense variant is not expected to disrupt TBCK protein function with a negative predictive value of 80%. In summary, the available evidence is currently insufficient to determine the role of this variant in disease. Therefore, it has been classified as a Variant of Uncertain Significance.

Blueprint Genetics
Classification: Uncertain significance. Last evaluated: 2023-12-15. Review status: criteria provided, single submitter. Criteria: ACMG Guidelines, 2015. Collection method: clinical testing. Allele origin: germline.

Ambry Genetics
Classification: Uncertain significance for Inborn genetic diseases. Last evaluated: 2023-02-06. Review status: criteria provided, single submitter. Criteria: Ambry Variant Classification Scheme 2023. Collection method: clinical testing. Allele origin: germline.

Dubai Health Genomic Medicine Center, Dubai Health
Classification: Uncertain significance for Hypotonia, infantile, with psychomotor retardation and characteristic facies 3. Last evaluated: 2020-08-16. Review status: criteria provided, single submitter. Criteria: ACMG Guidelines, 2015. Collection method: clinical testing. Allele origin: germline. Affected: yes.
Comment: The p.Ala602Thr missense variant in TBCK has not been previously in affected individuals but was reported as a variant of uncertain significance by another clinical testing laboratory (ClinVar ID: 638385). This variant was also identified in 20/113414 (0.18% 0 homozygotes) European Non Finnish alleles in the Genome Aggregation Database (gnomAD) and in 1/1985 (0.05%) total alleles in the Greater Middle East (GME) Variome Database. Computational prediction tools do not support strong evidence for or against pathogenicity. In summary more information is needed to determine the clinical significance of this variant.

Genomic Research Center, Shahid Beheshti University of Medical Sciences
Classification: Uncertain significance for Hypotonia, infantile, with psychomotor retardation and characteristic facies 3. Last evaluated: 2019-04-27. Review status: criteria provided, single submitter. Criteria: ACMG Guidelines, 2015. Collection method: clinical testing. Allele origin: inherited. Affected: yes.

Literature cited by the submitters: PubMed 36703223 (cited by Labcorp Genetics (formerly Invitae), Labcorp).